The following is an entry in ClinVar:

NM_000465.4(BARD1):c.35del (p.Pro12fs)

Gene: BARD1 (BRCA1 associated RING domain 1; minus strand). Cytogenetic location: 2q35.
Variant type: Deletion.
Coding change: c.35del on transcript NM_000465.4 (MANE Select); coding-DNA position 35, one base deleted (C; older notation c.35delC).
Protein change: p.Pro12fs; shifts the reading frame from proline 12.
Molecular consequence: frameshift variant. On other transcripts: non-coding transcript variant (3).
Genome position (GRCh38, 1-based): chr2:214,809,535, G deleted on the plus strand (C on the coding strand, the reverse complement: BARD1 is on the minus strand); the first of 2 consecutive G bases (chr2:214,809,535-214,809,536); deleting either gives the same sequence. VCF-style (leftmost placement, unchanged base first): chr2-214809534-CG-C. GRCh37 (hg19) VCF-style: chr2-215674258-CG-C.
Other names: c.35del, p.Pro12fs (NM_001282543.2, NM_001282545.2, NM_001282548.2 and 1 more transcripts); short protein forms P12fs.
Identifiers: ClinVar variation 2573276 (VCV002573276.1), dbSNP rs2469639957, ClinGen allele CA2580616686.

ClinVar aggregate classification (germline): Pathogenic (1 of 4 stars; one submission).

Conditions:
Familial cancer of breast. Also called: hereditary breast carcinoma; Hereditary breast cancer; BREAST CANCER, FAMILIAL. Identifiers: Orphanet 227535, MedGen C0346153, MONDO:0016419, OMIM 114480. Disease mechanism: loss of function.

Submission:

Myriad Genetics, Inc.
Classification: Pathogenic for Familial cancer of breast. Last evaluated: 2023-04-14. Review status: criteria provided, single submitter. Criteria: Myriad Autosomal Dominant, Autosomal Recessive and X-Linked Classification Criteria (2023). Collection method: clinical testing. Allele origin: unknown.
Comment: This variant is considered pathogenic. This variant creates a frameshift predicted to result in premature protein truncation.